The following is an entry in ClinVar:

NM_001286577.2(C2CD3):c.1861C>T (p.Arg621Ter)

Gene: C2CD3 (C2 domain containing 3 centriole elongation regulator; minus strand). Cytogenetic location: 11q13.4.
Variant type: single nucleotide variant.
Coding change: c.1861C>T on transcript NM_001286577.2 (MANE Select); coding-DNA position 1861, C replaced by T.
Protein change: p.Arg621Ter; replaces arginine 621 with a stop codon.
Molecular consequence: nonsense.
Genome position (GRCh38, 1-based): chr11:74,109,135, G>A on the plus strand (C>T on the coding strand, the complement: C2CD3 is on the minus strand). VCF-style: chr11-74109135-G-A. GRCh37 (hg19) VCF-style: chr11-73820180-G-A.
Other names: c.1861C>T, p.Arg621Ter (NM_015531.6); short protein forms R621*.
Identifiers: ClinVar variation 1075627 (VCV001075627.8), dbSNP rs750328756, ClinGen allele CA6182777.
Genomic context (GRCh38, chr11:74,109,135, plus strand): 5'-GGTTGGAATTCCACCAGTGCTCTATCATTGGGCCACCAAACTGTACTGGAAACACAAATC[G>A]CTGCTGGAACTTCACCTCTGTAAGGAGAACCAGACACACAGACATGTCACACCACCCAAC-3'

ClinVar aggregate classification (germline): Pathogenic/Likely pathogenic. Review status: criteria provided, multiple submitters, no conflicts (2 of 4 stars). 2 submissions from 2 submitters: Pathogenic (1); Likely pathogenic (1). Last evaluated 2022-03-02.

Conditions:
Orofaciodigital syndrome type 14. Also called: Orofaciodigital syndrome xiv. Identifiers: Orphanet 434179, MedGen C4706604, MONDO:0014413, OMIM 615948.

Allele frequency attached by ClinVar (database versions not stated): gnomAD exomes below 0.00001 and 0.00001; gnomAD 0.00001; TOPMed 0.00001; ExAC 0.00002.
gnomAD v4.1: 4 of 1,576,526 alleles (0.00025%); highest among the groups gnomAD compares: African/African-American, 0.0028%; no homozygotes.

Submissions (2):

Fulgent Genetics
Classification: Likely pathogenic for Orofaciodigital syndrome type 14. Last evaluated: 2022-03-02. Review status: criteria provided, single submitter. Criteria: ACMG Guidelines, 2015. Collection method: clinical testing. Allele origin: unknown.

Labcorp Genetics (formerly Invitae), Labcorp
Classification: Pathogenic. Last evaluated: 2017-11-09. Review status: criteria provided, single submitter. Criteria: Invitae Variant Classification Sherloc (09022015). Collection method: clinical testing. Allele origin: germline.
Comment: For these reasons, this variant has been classified as Pathogenic. Loss-of-function variants in C2CD3 are known to be pathogenic (PMID: 24997988). This variant has not been reported in the literature in individuals with C2CD3-related disease. This variant is present in population databases (rs750328756, ExAC 0.006%). This sequence change creates a premature translational stop signal (p.Arg621*) in the C2CD3 gene. It is expected to result in an absent or disrupted protein product.

Literature cited by the submitters: PubMed 24997988 (cited by Labcorp Genetics (formerly Invitae), Labcorp).